The following is an entry in ClinVar:

ClinVar aggregate classification (germline): Conflicting classifications of pathogenicity. Review status: criteria provided, conflicting classifications (1 of 4 stars). 4 submissions from 3 submitters: Uncertain significance (3); Likely benign (1). Last evaluated 2025-04-18.

Conditions:
Complement component 2 deficiency (C2D). Also called: C2 deficiency. Identifiers: MedGen C0398756, MONDO:0009006, OMIM 217000.
Age related macular degeneration 14. Also called: MACULAR DEGENERATION, AGE-RELATED, 14, REDUCED RISK OF. Identifiers: MedGen C3809653, MONDO:0014207, OMIM 615489.

Allele frequency attached by ClinVar (database versions not stated): TOPMed 0.00002; ExAC 0.00003; gnomAD 0.00003 and 0.00004; gnomAD exomes 0.00003.
gnomAD v4.1: 64 of 1,608,910 alleles (0.004%); highest among the groups gnomAD compares: Middle Eastern, 0.033%; no homozygotes.

Submissions (4):

Ambry Genetics
Classification: Likely benign. Last evaluated: 2025-04-18. Review status: criteria provided, single submitter. Criteria: Ambry Variant Classification Scheme 2023. Collection method: clinical testing. Allele origin: germline.

Labcorp Genetics (formerly Invitae), Labcorp
Classification: Uncertain significance. Last evaluated: 2024-11-03. Review status: criteria provided, single submitter. Criteria: Invitae Variant Classification Sherloc (09022015). Collection method: clinical testing. Allele origin: germline.
Comment: This sequence change replaces alanine, which is neutral and non-polar, with valine, which is neutral and non-polar, at codon 82 of the C2 protein (p.Ala82Val). The frequency data for this variant in the population databases is considered unreliable, as metrics indicate poor data quality at this position in the gnomAD database. This variant has not been reported in the literature in individuals affected with C2-related conditions. ClinVar contains an entry for this variant (Variation ID: 905372). Invitae Evidence Modeling of protein sequence and biophysical properties (such as structural, functional, and spatial information, amino acid conservation, physicochemical variation, residue mobility, and thermodynamic stability) indicates that this missense variant is not expected to disrupt C2 protein function with a negative predictive value of 80%. In summary, the available evidence is currently insufficient to determine the role of this variant in disease. Therefore, it has been classified as a Variant of Uncertain Significance.

Illumina Laboratory Services, Illumina
Classification: Uncertain significance for Age related macular degeneration 14. Last evaluated: 2018-01-15. Review status: criteria provided, single submitter. Criteria: ICSL Variant Classification Criteria 13 December 2019. Collection method: clinical testing. Allele origin: germline.

Illumina Laboratory Services, Illumina
Classification: Uncertain significance for Complement component 2 deficiency. Last evaluated: 2018-01-15. Review status: criteria provided, single submitter. Criteria: ICSL Variant Classification Criteria 13 December 2019. Collection method: clinical testing. Allele origin: germline.

NM_000063.6(C2):c.245C>T (p.Ala82Val)

Gene: C2 (complement C2; plus strand). Cytogenetic location: 6p21.33.
Variant type: single nucleotide variant.
Coding change: c.245C>T on transcript NM_000063.6 (MANE Select); coding-DNA position 245, C replaced by T.
Protein change: p.Ala82Val; replaces alanine 82 with valine.
Molecular consequence: missense variant. On other transcripts: genic upstream transcript variant (2), intron variant (1).
Genome position (GRCh38, 1-based): chr6:31,928,153, C>T. VCF-style: chr6-31928153-C-T. GRCh37 (hg19) VCF-style: chr6-31895930-C-T.
Other names: c.130C>T, p.Arg44Trp (NM_001282458.2); c.245C>T, p.Ala82Val (NM_001282459.2); c.-63-5457C>T (NM_001282457.2); c.74-5457C>T (NM_001178063.3); c.46+355C>T (NM_001145903.3); short protein forms A82V, R44W.
Identifiers: ClinVar variation 905372 (VCV000905372.11), dbSNP rs547881286, ClinGen allele CA3727311.